The following is an entry in ClinVar:

NM_006904.7(PRKDC):c.5101A>G (p.Ser1701Gly)

Gene: PRKDC (protein kinase, DNA-activated, catalytic subunit; minus strand). Cytogenetic location: 8q11.21.
Variant type: single nucleotide variant.
Coding change: c.5101A>G on transcript NM_006904.7 (MANE Select); coding-DNA position 5101, A replaced by G.
Protein change: p.Ser1701Gly; replaces serine 1701 with glycine.
Molecular consequence: missense variant.
Genome position (GRCh38, 1-based): chr8:47,879,625, T>C on the plus strand (A>G on the coding strand, the complement: PRKDC is on the minus strand). VCF-style: chr8-47879625-T-C. GRCh37 (hg19) VCF-style: chr8-48792186-T-C.
Other names: c.5101A>G, p.Ser1701Gly (NM_001081640.2); short protein forms S1701G.
Identifiers: ClinVar variation 1471042 (VCV001471042.6), dbSNP rs2154501401, ClinGen allele CA371139458.

ClinVar aggregate classification (germline): Uncertain significance (1 of 4 stars; one submission).

Conditions:
Severe combined immunodeficiency due to DNA-PKcs deficiency. Also called: Immunodeficiency 26 with or without neurologic abnormalities; IMMUNODEFICIENCY 26 WITH NEUROLOGIC ABNORMALITIES. Identifiers: Orphanet 317425, MedGen C4014833, MONDO:0014423, OMIM 615966.

Submission:

Labcorp Genetics (formerly Invitae), Labcorp
Classification: Uncertain significance for Severe combined immunodeficiency due to DNA-PKcs deficiency. Last evaluated: 2021-06-18. Review status: criteria provided, single submitter. Criteria: Invitae Variant Classification Sherloc (09022015). Collection method: clinical testing. Allele origin: germline.
Comment: This sequence change replaces serine with glycine at codon 1701 of the PRKDC protein (p.Ser1701Gly). The serine residue is weakly conserved and there is a small physicochemical difference between serine and glycine. This variant is not present in population databases (ExAC no frequency). This variant has not been reported in the literature in individuals with PRKDC-related conditions. Experimental studies and prediction algorithms are not available or were not evaluated, and the functional significance of this variant is currently unknown. In summary, the available evidence is currently insufficient to determine the role of this variant in disease. Therefore, it has been classified as a Variant of Uncertain Significance.